The following is an entry in ClinVar:

ClinVar aggregate classification (germline): Conflicting classifications of pathogenicity. Review status: criteria provided, conflicting classifications (1 of 4 stars). 6 submissions from 6 submitters: Uncertain significance (1); Benign (1); Likely benign (3). 1 of the submissions does not count toward it. Last evaluated 2025-12-16.

Conditions:
JAG1-related disorder. Also called: JAG1-related disorders; JAG1-related condition.
Cardiovascular phenotype. Identifiers: MedGen CN230736.
Alagille syndrome due to a JAG1 point mutation. Also called: JAG1-Related Alagille Syndrome; Alagille Syndrome 1; HEPATIC DUCTULAR HYPOPLASIA, SYNDROMATIC. Identifiers: Orphanet 261619, Orphanet 52, MedGen C1956125, MONDO:0016862, OMIM 118450.

Allele frequency attached by ClinVar (database versions not stated): gnomAD exomes 0.00009 and 0.00018; ExAC 0.00019; ESP Exome Variant Server 0.00031; gnomAD 0.00040 and 0.00041; 1000 Genomes Project 30x 0.00047; TOPMed 0.00048; 1000 Genomes Project 0.00060.
gnomAD v4.1: 188 of 1,613,668 alleles (0.012%); highest among the groups gnomAD compares: African/African-American, 0.16%; 1 homozygote.

Submissions (6):

Labcorp Genetics (formerly Invitae), Labcorp
Classification: Likely benign for Alagille syndrome due to a JAG1 point mutation. Last evaluated: 2025-12-16. Review status: criteria provided, single submitter. Criteria: Invitae Variant Classification Sherloc (09022015). Collection method: clinical testing. Allele origin: germline.

Ambry Genetics
Classification: Benign for Cardiovascular phenotype. Last evaluated: 2025-11-26. Review status: criteria provided, single submitter. Criteria: Ambry Variant Classification Scheme 2023. Collection method: clinical testing. Allele origin: germline.

Blueprint Genetics
Classification: Likely benign. Last evaluated: 2024-10-25. Review status: criteria provided, single submitter. Criteria: ACMG Guidelines, 2015. Collection method: clinical testing. Allele origin: germline.

GeneDx
Classification: Likely benign. Last evaluated: 2018-10-22. Review status: criteria provided, single submitter. Criteria: GeneDx Variant Classification Process June 2021. Collection method: clinical testing. Allele origin: germline. Affected: yes.

Eurofins Ntd Llc (ga)
Classification: Uncertain significance. Last evaluated: 2018-06-18. Review status: criteria provided, single submitter. Criteria: EGL ClinVar v180209 classification definitions. Collection method: clinical testing. Allele origin: germline. Observed: 3 variant alleles, 3 heterozygotes.

PreventionGenetics, part of Exact Sciences
Classification: Likely benign for JAG1-related condition. Last evaluated: 2022-04-12. Review status: no assertion criteria provided. Collection method: clinical testing. Allele origin: germline. Not counted in ClinVar's aggregate classification.
Comment: This variant is classified as likely benign based on ACMG/AMP sequence variant interpretation guidelines (Richards et al. 2015 PMID: 25741868, with internal and published modifications).

NM_000214.3(JAG1):c.814G>A (p.Val272Ile)

Gene: JAG1 (jagged canonical Notch ligand 1; minus strand). Cytogenetic location: 20p12.2.
Variant type: single nucleotide variant.
Coding change: c.814G>A on transcript NM_000214.3 (MANE Select); coding-DNA position 814, G replaced by A.
Protein change: p.Val272Ile; replaces valine 272 with isoleucine.
Molecular consequence: missense variant.
Genome position (GRCh38, 1-based): chr20:10,652,540, C>T on the plus strand (G>A on the coding strand, the complement: JAG1 is on the minus strand). VCF-style: chr20-10652540-C-T. GRCh37 (hg19) VCF-style: chr20-10633188-C-T.
Other names: c.814G>A, p.Val272Ile (LRG_1191t1); short protein forms V272I.
Identifiers: ClinVar variation 264345 (VCV000264345.26), dbSNP rs148990028, ClinGen allele CA9765043.